The following is an entry in ClinVar:

ClinVar aggregate classification (germline): Uncertain significance (1 of 4 stars; one submission).

Allele frequency attached by ClinVar (database versions not stated): TOPMed below 0.00001; gnomAD 0.00001.
gnomAD v4.1: 1 of 1,614,050 alleles (0.000062%); highest among the groups gnomAD compares: Non-Finnish European, 0.000085%; no homozygotes.

Submission:

Labcorp Genetics (formerly Invitae), Labcorp
Classification: Uncertain significance. Last evaluated: 2021-12-10. Review status: criteria provided, single submitter. Criteria: Invitae Variant Classification Sherloc (09022015). Collection method: clinical testing. Allele origin: germline.
Comment: This variant is not present in population databases (gnomAD no frequency). In summary, the available evidence is currently insufficient to determine the role of this variant in disease. Therefore, it has been classified as a Variant of Uncertain Significance. Advanced modeling of protein sequence and biophysical properties (such as structural, functional, and spatial information, amino acid conservation, physicochemical variation, residue mobility, and thermodynamic stability) performed at Invitae indicates that this missense variant is expected to disrupt ABCA1 protein function. This variant has not been reported in the literature in individuals affected with ABCA1-related conditions. This sequence change replaces alanine, which is neutral and non-polar, with valine, which is neutral and non-polar, at codon 2058 of the ABCA1 protein (p.Ala2058Val).

NM_005502.4(ABCA1):c.6173C>T (p.Ala2058Val)

Genes: ABCA1 (ATP binding cassette subfamily A member 1; minus strand), NIPSNAP3B (nipsnap homolog 3B; plus strand). Cytogenetic location: 9q31.1.
Variant type: single nucleotide variant.
Coding change: c.6173C>T on transcript NM_005502.4 (MANE Select); coding-DNA position 6173, C replaced by T.
Protein change: p.Ala2058Val; replaces alanine 2058 with valine.
Molecular consequence: missense variant.
Genome position (GRCh38, 1-based): chr9:104,787,951, G>A on the plus strand (C>T on the coding strand, the complement: ABCA1 is on the minus strand). VCF-style: chr9-104787951-G-A. GRCh37 (hg19) VCF-style: chr9-107550232-G-A.
Other names: short protein forms A2058V.
Identifiers: ClinVar variation 2037838 (VCV002037838.4), dbSNP rs1446252009, ClinGen allele CA374306430.